The following is an entry in ClinVar:

NM_173660.5(DOK7):c.772+2T>G

Genes: DOK7 (docking protein 7; plus strand), LOC129992118 (ATAC-STARR-seq lymphoblastoid silent region 15206; plus strand). Cytogenetic location: 4p16.3.
Variant type: single nucleotide variant.
Coding change: c.772+2T>G on transcript NM_173660.5 (MANE Select); the canonical splice donor site of the intron after coding-DNA position 772, T replaced by G.
Molecular consequence: splice donor variant.
Genome position (GRCh38, 1-based): chr4:3,489,798, T>G. VCF-style: chr4-3489798-T-G. GRCh37 (hg19) VCF-style: chr4-3491525-T-G.
Other names: NC_000004.11:g.3491525T>G; c.772+2T>G (NM_001301071.2); c.340+2T>G (NM_001363811.2); c.761+2T>G (NM_001164673.2); c.-159+2T>G (NM_001256896.2).
Identifiers: ClinVar variation 3342296 (VCV003342296.2).

ClinVar aggregate classification (germline): Uncertain significance (1 of 4 stars; one submission).

Conditions:
Congenital myasthenic syndrome 10. Also called: Myasthenia, limb-girdle, familial. Identifiers: Orphanet 590, MedGen C1850792, MONDO:0009690, OMIM 254300.

gnomAD v4.1: 1 of 1,571,572 alleles (0.000064%); highest among the groups gnomAD compares: Non-Finnish European, 0.000086%; no homozygotes.

Submissions (5):

MVZ Medizinische Genetik Mainz
Classification: Uncertain significance for Congenital myasthenic syndrome 10. Last evaluated: 2024-09-12. Review status: criteria provided, single submitter. Criteria: UK Practice Guidelines For Variant Classification V4 01 2020. Collection method: clinical testing. Allele origin: germline. Inheritance: Autosomal recessive inheritance. Affected: yes. Observed: 1 variant allele.
Comment: ACMG Criteria: PVS1_MOD,PM2_SUP,PM3_SUP

Dr. Peter K. Rogan Lab, Western University
No classification provided (evidence only). Condition: Ovarian serous cystadenocarcinoma. Review status: no classification provided. Collection method: in vitro. Allele origin: not applicable. Functional consequence: retained intron. Not counted in ClinVar's aggregate classification.

Dr. Peter K. Rogan Lab, Western University
No classification provided (evidence only). Condition: Ovarian serous cystadenocarcinoma. Review status: no classification provided. Collection method: in vitro. Allele origin: not applicable. Functional consequence: retained intron. Not counted in ClinVar's aggregate classification.

Dr. Peter K. Rogan Lab, Western University
No classification provided (evidence only). Condition: Ovarian serous cystadenocarcinoma. Review status: no classification provided. Collection method: in vitro. Allele origin: not applicable. Functional consequence: retained intron. Not counted in ClinVar's aggregate classification.

Dr. Peter K. Rogan Lab, Western University
No classification provided (evidence only). Condition: Ovarian serous cystadenocarcinoma. Review status: no classification provided. Collection method: in vitro. Allele origin: not applicable. Functional consequence: retained intron. Not counted in ClinVar's aggregate classification.